The following is an entry in ClinVar:

ClinVar aggregate classification (germline): Likely benign (1 of 4 stars; one submission).

Conditions:
SLC52A2-related disorder. Also called: SLC52A2-related condition.

Submission:

PreventionGenetics, part of Exact Sciences
Classification: Likely benign for SLC52A2-related condition. Last evaluated: 2026-01-06. Review status: criteria provided, single submitter. Criteria: ACMG Guidelines, 2015. Collection method: clinical testing. Allele origin: germline.
Comment: This variant is classified as likely benign based on ACMG/AMP sequence variant interpretation guidelines (Richards et al. 2015 PMID: 25741868, with internal and published modifications).

NM_001363118.2(SLC52A2):c.-3T>A

Gene: SLC52A2 (solute carrier family 52 member 2; plus strand). Cytogenetic location: 8q24.3.
Variant type: single nucleotide variant.
Coding change: c.-3T>A on transcript NM_001363118.2 (MANE Select); 3 bases upstream of the start codon, T replaced by A.
Molecular consequence: 5 prime UTR variant. On other transcripts: non-coding transcript variant (1).
Genome position (GRCh38, 1-based): chr8:144,359,291, T>A. VCF-style: chr8-144359291-T-A. GRCh37 (hg19) VCF-style: chr8-145582951-T-A.
Other names: c.-3T>A (NM_001253815.2, NM_001253816.2, NM_001363120.2 and 10 more transcripts).
Identifiers: ClinVar variation 4980622 (VCV004980622.1).
Genomic context (GRCh38, chr8:144,359,291, plus strand): 5'-TAGGTGGGAAAAGAACTGGCTGTGACCTTTGCCCTGACCTGGAAGGGCCCAGCCTTGGGC[T>A]GAATGGCAGCACCCACGCCCGCCCGTCCGGTGCTGACCCACCTGCTGGTGGCTCTCTTCG-3'